The following is an entry in ClinVar:

ClinVar aggregate classification (germline): Uncertain significance. Review status: criteria provided, multiple submitters, no conflicts (2 of 4 stars). 2 submissions from 2 submitters: Uncertain significance (2). Last evaluated 2026-07-27.

Conditions:
MYO7A-related disorder. Also called: MYO7A-related disorders.

gnomAD v4.1: 7 of 1,611,584 alleles (0.00043%); highest among the groups gnomAD compares: East Asian, 0.0022%; no homozygotes.

Submissions (2):

PreventionGenetics, part of Exact Sciences
Classification: Uncertain significance for MYO7A-related condition. Last evaluated: 2026-07-27. Review status: criteria provided, single submitter. Criteria: ACMG Guidelines, 2015. Collection method: clinical testing. Allele origin: germline.
Comment: The MYO7A c.760G>A variant is predicted to result in the amino acid substitution p.Val254Met. To our knowledge, this variant has not been reported in the literature. This variant is reported in 0.0067% of alleles in individuals of South Asian descent in gnomAD. At this time, the clinical significance of this variant is uncertain due to the absence of conclusive functional and genetic evidence.

GeneDx
Classification: Uncertain significance. Last evaluated: 2023-05-18. Review status: criteria provided, single submitter. Criteria: GeneDx Variant Classification Process June 2021. Collection method: clinical testing. Allele origin: germline. Affected: yes.
Comment: In silico analysis supports that this missense variant does not alter protein structure/function; Has not been previously published as pathogenic or benign to our knowledge

NM_000260.4(MYO7A):c.760G>A (p.Val254Met)

Gene: MYO7A (myosin VIIA; plus strand). Cytogenetic location: 11q13.5.
Variant type: single nucleotide variant.
Coding change: c.760G>A on transcript NM_000260.4 (MANE Select); coding-DNA position 760, G replaced by A.
Protein change: p.Val254Met; replaces valine 254 with methionine.
Molecular consequence: missense variant.
Genome position (GRCh38, 1-based): chr11:77,157,303, G>A. VCF-style: chr11-77157303-G-A. GRCh37 (hg19) VCF-style: chr11-76868349-G-A.
Other names: c.760G>A, p.Val254Met (NM_001127180.2); c.727G>A, p.Val243Met (NM_001369365.1); short protein forms V243M, V254M.
Identifiers: ClinVar variation 3343519 (VCV003343519.2).